The following is an entry in ClinVar:

NM_001430.5(EPAS1):c.1681C>G (p.Gln561Glu)

Gene: EPAS1 (endothelial PAS domain protein 1; plus strand). Cytogenetic location: 2p21.
Variant type: single nucleotide variant.
Coding change: c.1681C>G on transcript NM_001430.5 (MANE Select); coding-DNA position 1681, C replaced by G.
Protein change: p.Gln561Glu; replaces glutamine 561 with glutamic acid.
Molecular consequence: missense variant.
Genome position (GRCh38, 1-based): chr2:46,380,353, C>G. VCF-style: chr2-46380353-C-G. GRCh37 (hg19) VCF-style: chr2-46607492-C-G.
Other names: short protein forms Q561E.
Identifiers: ClinVar variation 1777920 (VCV001777920.3), dbSNP rs545395785, ClinGen allele CA346704651.

ClinVar aggregate classification (germline): Uncertain significance (1 of 4 stars; one submission).

Conditions:
Inborn genetic diseases. Identifiers: MedGen C0950123, MeSH D030342.

Submission:

Ambry Genetics
Classification: Uncertain significance for Inborn genetic diseases. Last evaluated: 2024-07-11. Review status: criteria provided, single submitter. Criteria: Ambry Variant Classification Scheme 2023. Collection method: clinical testing. Allele origin: germline.
Comment: The p.Q561E variant (also known as c.1681C>G), located in coding exon 12 of the EPAS1 gene, results from a C to G substitution at nucleotide position 1681. The glutamine at codon 561 is replaced by glutamic acid, an amino acid with highly similar properties. This amino acid position is conserved. In addition, this alteration is predicted to be tolerated by in silico analysis. Since supporting evidence is limited at this time, the clinical significance of this alteration remains unclear.